The following is an entry in ClinVar:

NM_177949.4(ARMCX2):c.1689A>G (p.Glu563=)

Gene: ARMCX2 (armadillo repeat containing X-linked 2; minus strand). Cytogenetic location: Xq22.1.
Variant type: single nucleotide variant.
Coding change: c.1689A>G on transcript NM_177949.4 (MANE Select); coding-DNA position 1689, A replaced by G.
Protein change: p.Glu563=; no amino-acid change (glutamic acid 563 retained).
Molecular consequence: synonymous variant.
Genome position (GRCh38, 1-based): chrX:101,655,900, T>C on the plus strand (A>G on the coding strand, the complement: ARMCX2 is on the minus strand). VCF-style: chrX-101655900-T-C. GRCh37 (hg19) VCF-style: chrX-100910886-T-C.
Other names: c.1689A>G, p.Glu563= (NM_001282231.2, NM_014782.7).
Identifiers: ClinVar variation 2661068 (VCV002661068.24), dbSNP rs1406980846, ClinGen allele CA517912714.

ClinVar aggregate classification (germline): Likely benign (1 of 4 stars; one submission).

Allele frequency attached by ClinVar (database versions not stated): gnomAD exomes 0.00002; gnomAD 0.00003; TOPMed 0.00003.

Submission:

CeGaT Center for Human Genetics Tuebingen
Classification: Likely benign. Last evaluated: 2022-11-01. Review status: criteria provided, single submitter. Criteria: CeGaT Center For Human Genetics Tuebingen Variant Classification Criteria Version 2. Collection method: clinical testing. Allele origin: germline. Affected: yes. Observed: 1 variant allele.
Comment: ARMCX2: BP4, BP7